The following is an entry in ClinVar:

ClinVar aggregate classification (germline): Uncertain significance (1 of 4 stars; one submission).

Submission:

Laboratory for Molecular Medicine, Mass General Brigham Personalized Medicine
Classification: Uncertain significance. Last evaluated: 2012-03-06. Review status: criteria provided, single submitter. Criteria: LMM Criteria. Collection method: clinical testing. Allele origin: germline. Observed: 1 variant allele.
Comment: The Gly997Arg variant has not been reported in the literature nor previously ide ntified by our laboratory. Computational analyses of this amino acid change sugg est that the Gly997Arg variant may impact the protein based upon high amino acid conservation at Gly997 across many mammalian species. However, this information is not predictive enough to assume pathogenicity.

NM_206933.4(USH2A):c.2989G>A (p.Gly997Arg)

Genes: USH2A (usherin; minus strand), USH2A-AS1 (USH2A antisense RNA 1; plus strand). Cytogenetic location: 1q41.
Variant type: single nucleotide variant.
Coding change: c.2989G>A on transcript NM_206933.4 (MANE Select); coding-DNA position 2989, G replaced by A.
Protein change: p.Gly997Arg; replaces glycine 997 with arginine.
Molecular consequence: missense variant.
Genome position (GRCh38, 1-based): chr1:216,231,957, C>T on the plus strand (G>A on the coding strand, the complement: USH2A is on the minus strand). VCF-style: chr1-216231957-C-T. GRCh37 (hg19) VCF-style: chr1-216405299-C-T.
Other names: c.2989G>A, p.Gly997Arg (NM_007123.6); short protein forms G997R.
Identifiers: ClinVar variation 48494 (VCV000048494.5), dbSNP rs397518009, ClinGen allele CA143452.